The following is an entry in ClinVar:

ClinVar aggregate classification (germline): Uncertain significance (1 of 4 stars; one submission).

Conditions:
Retinitis pigmentosa 12 (RP12). Also called: RP WITH OR WITHOUT PPRPE; RP WITH OR WITHOUT PRESERVED PARAARTERIOLE RETINAL PIGMENT EPITHELIUM; RETINITIS PIGMENTOSA WITH OR WITHOUT PARAARTERIOLAR PRESERVATION OF RETINAL PIGMENT EPITHELIUM. Identifiers: Orphanet 791, MedGen C1838647, MONDO:0010818, OMIM 600105.
Leber congenital amaurosis 8 (LCA8). Identifiers: Orphanet 65, MedGen C3151202, MONDO:0013453, OMIM 613835.

Allele frequency attached by ClinVar (database versions not stated): gnomAD exomes below 0.00001; gnomAD 0.00001; TOPMed 0.00001.
gnomAD v4.1: 8 of 1,614,130 alleles (0.0005%); highest among the groups gnomAD compares: Non-Finnish European, 0.00068%; no homozygotes.

Submission:

Labcorp Genetics (formerly Invitae), Labcorp
Classification: Uncertain significance for Leber congenital amaurosis 8; Retinitis pigmentosa 12. Last evaluated: 2022-08-16. Review status: criteria provided, single submitter. Criteria: Invitae Variant Classification Sherloc (09022015). Collection method: clinical testing. Allele origin: germline.
Comment: This variant is not present in population databases (gnomAD no frequency). This sequence change replaces aspartic acid, which is acidic and polar, with glycine, which is neutral and non-polar, at codon 184 of the CRB1 protein (p.Asp184Gly). In summary, the available evidence is currently insufficient to determine the role of this variant in disease. Therefore, it has been classified as a Variant of Uncertain Significance. Advanced modeling of protein sequence and biophysical properties (such as structural, functional, and spatial information, amino acid conservation, physicochemical variation, residue mobility, and thermodynamic stability) performed at Invitae indicates that this missense variant is expected to disrupt CRB1 protein function. This variant has not been reported in the literature in individuals affected with CRB1-related conditions.

NM_201253.3(CRB1):c.551A>G (p.Asp184Gly)

Gene: CRB1 (crumbs cell polarity complex component 1; plus strand). Cytogenetic location: 1q31.3.
Variant type: single nucleotide variant.
Coding change: c.551A>G on transcript NM_201253.3 (MANE Select); coding-DNA position 551, A replaced by G.
Protein change: p.Asp184Gly; replaces aspartic acid 184 with glycine.
Molecular consequence: missense variant. On other transcripts: non-coding transcript variant (2).
Genome position (GRCh38, 1-based): chr1:197,328,902, A>G. VCF-style: chr1-197328902-A-G. GRCh37 (hg19) VCF-style: chr1-197298032-A-G.
Other names: c.551A>G, p.Asp184Gly (NM_001193640.2, NM_001257966.2); c.344A>G, p.Asp115Gly (NM_001257965.2); short protein forms D184G, D115G.
Identifiers: ClinVar variation 1918474 (VCV001918474.5), dbSNP rs1658691815, ClinGen allele CA344081534.
Genomic context (GRCh38, chr1:197,328,902, plus strand): 5'-AGGATGGAATTGATGGTTACTCCTGCTTCTGTGTCCCAGGATATCAAGGCAGACACTGCG[A>G]CTTGGAAGTGGATGAATGTGCTTCAGATCCCTGCAAGAACGAGGCTACATGCCTCAATGA-3'
Protein context (NP_957705.1, residues 174-194): CVPGYQGRHC[Asp184Gly]LEVDECASDP